The following is an entry in ClinVar:

NM_000444.6(PHEX):c.2147G>C (p.Arg716Thr)

Genes: PHEX (phosphate regulating endopeptidase X-linked; plus strand), PTCHD1-AS (PTCHD1 and PHEX antisense RNA; minus strand). Cytogenetic location: Xp22.11.
Variant type: single nucleotide variant.
Coding change: c.2147G>C on transcript NM_000444.6 (MANE Select); coding-DNA position 2147, G replaced by C.
Protein change: p.Arg716Thr; replaces arginine 716 with threonine.
Molecular consequence: missense variant. On other transcripts: intron variant (1).
Genome position (GRCh38, 1-based): chrX:22,245,409, G>C. VCF-style: chrX-22245409-G-C. GRCh37 (hg19) VCF-style: chrX-22263526-G-C.
Other names: c.2071-2442G>C (NM_001282754.2); short protein forms R716T.
Identifiers: ClinVar variation 951751 (VCV000951751.10), dbSNP rs1936363158, ClinGen allele CA412575331.
Genomic context (GRCh38, chrX:22,245,409, plus strand): 5'-ACAGACCAGAAGCTGCCCGAGAACAAGTCCAAATTGGTGCTCACAGTCCCCCTCAGTTTA[G>C]GTAAATGGGCAAATGGGTGACGGCAGTTTTTAACTGTACATCTCCCCCCTTCCTCCCCCA-3'
Protein context (NP_000435.3, residues 706-726): QIGAHSPPQF[Arg716Thr]VNGAISNFEE

ClinVar aggregate classification (germline): Conflicting classifications of pathogenicity. Review status: criteria provided, conflicting classifications (1 of 4 stars). 2 submissions from 2 submitters: Likely pathogenic (1); Uncertain significance (1). Last evaluated 2025-05-05.

Submissions (2):

Women's Health and Genetics/Laboratory Corporation of America, LabCorp
Classification: Uncertain significance. Last evaluated: 2025-05-05. Review status: criteria provided, single submitter. Criteria: LabCorp Variant Classification Summary - May 2015. Collection method: clinical testing. Allele origin: germline.
Comment: Variant summary: PHEX c.2147G>C (p.Arg716Thr) results in a non-conservative amino acid change in the encoded protein sequence. Algorithms developed to predict the effect of missense changes on protein structure and function all suggest that this variant is likely to be disruptive. Several computational tools predict a significant impact on normal splicing: Two predict the variant abolishes a 5' splicing donor site. Two predict the variant weakens a 5' donor site. However, these predictions have yet to be confirmed by functional studies. The variant was absent in 183473 control chromosomes (gnomAD). c.2147G>C has been observed in individuals affected with X-Linked Hypophosphatemic Rickets (Rush_2022, Sarafrazi_2021, internal data). These data indicate that the variant may be associated with disease. To our knowledge, no experimental evidence demonstrating an impact on protein function has been reported. The following publications have been ascertained in the context of this evaluation (PMID: 34633109, 34806794). ClinVar contains an entry for this variant (Variation ID: 951751). Based on the evidence outlined above, the variant was classified as VUS-possibly pathogenic.

Labcorp Genetics (formerly Invitae), Labcorp
Classification: Likely pathogenic. Last evaluated: 2024-02-17. Review status: criteria provided, single submitter. Criteria: Invitae Variant Classification Sherloc (09022015). Collection method: clinical testing. Allele origin: germline.
Comment: This sequence change replaces arginine, which is basic and polar, with threonine, which is neutral and polar, at codon 716 of the PHEX protein (p.Arg716Thr). This variant also falls at the last nucleotide of exon 21, which is part of the consensus splice site for this exon. This variant is not present in population databases (gnomAD no frequency). This missense change has been observed in individual(s) with X-linked hypophosphatemia (Invitae). ClinVar contains an entry for this variant (Variation ID: 951751). An algorithm developed to predict the effect of missense changes on protein structure and function (PolyPhen-2) suggests that this variant is likely to be disruptive. Variants that disrupt the consensus splice site are a relatively common cause of aberrant splicing (PMID: 17576681, 9536098). Algorithms developed to predict the effect of sequence changes on RNA splicing suggest that this variant may disrupt the consensus splice site. In summary, the currently available evidence indicates that the variant is pathogenic, but additional data are needed to prove that conclusively. Therefore, this variant has been classified as Likely Pathogenic.

Literature cited by the submitters: PubMed 34633109 (cited by Women's Health and Genetics/Laboratory Corporation of America, LabCorp); PubMed 34806794 (cited by Women's Health and Genetics/Laboratory Corporation of America, LabCorp); PubMed 17576681 (cited by Labcorp Genetics (formerly Invitae), Labcorp); PubMed 9536098 (cited by Labcorp Genetics (formerly Invitae), Labcorp).